The following is an entry in ClinVar:

ClinVar aggregate classification (germline): Uncertain significance (1 of 4 stars; one submission).

Submission:

Labcorp Genetics (formerly Invitae), Labcorp
Classification: Uncertain significance. Last evaluated: 2023-12-19. Review status: criteria provided, single submitter. Criteria: Invitae Variant Classification Sherloc (09022015). Collection method: clinical testing. Allele origin: germline.
Comment: This sequence change falls in intron 6 of the SPPL2A gene. It does not directly change the encoded amino acid sequence of the SPPL2A protein. This variant is not present in population databases (gnomAD no frequency). This variant has not been reported in the literature in individuals affected with SPPL2A-related conditions. Algorithms developed to predict the effect of sequence changes on RNA splicing suggest that this variant may disrupt the consensus splice site. In summary, the available evidence is currently insufficient to determine the role of this variant in disease. Therefore, it has been classified as a Variant of Uncertain Significance.

NM_032802.4(SPPL2A):c.734-13T>G

Gene: SPPL2A (signal peptide peptidase like 2A; minus strand). Cytogenetic location: 15q21.2.
Variant type: single nucleotide variant.
Coding change: c.734-13T>G on transcript NM_032802.4 (MANE Select); 13 bases into the intron before coding-DNA position 734, T replaced by G.
Molecular consequence: intron variant.
Genome position (GRCh38, 1-based): chr15:50,736,753, A>C on the plus strand (T>G on the coding strand, the complement: SPPL2A is on the minus strand). VCF-style: chr15-50736753-A-C. GRCh37 (hg19) VCF-style: chr15-51028950-A-C.
Identifiers: ClinVar variation 3008080 (VCV003008080.3), dbSNP rs776373215, ClinGen allele CA2740096701.